The following is an entry in ClinVar:

NM_004415.4(DSP):c.2333T>C (p.Leu778Pro)

Gene: DSP (desmoplakin; plus strand). Cytogenetic location: 6p24.3.
Variant type: single nucleotide variant.
Coding change: c.2333T>C on transcript NM_004415.4 (MANE Select); coding-DNA position 2333, T replaced by C.
Protein change: p.Leu778Pro; replaces leucine 778 with proline.
Molecular consequence: missense variant.
Genome position (GRCh38, 1-based): chr6:7,574,692, T>C. VCF-style: chr6-7574692-T-C. GRCh37 (hg19) VCF-style: chr6-7574925-T-C.
Other names: c.2333T>C, p.Leu778Pro (NM_001008844.3, NM_001319034.2); short protein forms L778P.
Identifiers: ClinVar variation 926563 (VCV000926563.15), dbSNP rs1337668206, ClinGen allele CA362681090.

ClinVar aggregate classification (germline): Uncertain significance. Review status: criteria provided, multiple submitters, no conflicts (2 of 4 stars). 3 submissions from 3 submitters: Uncertain significance (3). Last evaluated 2023-05-04.

Conditions:
Arrhythmogenic right ventricular dysplasia 8 (ARVD8). Also called: Arrhythmogenic Right Ventricular Dysplasia/Cardiomyopathy 8; ARRHYTHMOGENIC RIGHT VENTRICULAR DYSPLASIA, FAMILIAL, 8; ARRHYTHMOGENIC RIGHT VENTRICULAR CARDIOMYOPATHY 8. Identifiers: MedGen C1843896, MONDO:0011831, OMIM 607450.
Arrhythmogenic cardiomyopathy with wooly hair and keratoderma. Also called: PALMOPLANTAR KERATODERMA WITH LEFT VENTRICULAR CARDIOMYOPATHY AND WOOLLY HAIR; Carvajal syndrome; Dilated cardiomyopathy with woolly hair and keratoderma; Arrhythmogenic cardiomyopathy with woolly hair and keratoderma. Identifiers: Orphanet 65282, MedGen C1854063, MONDO:0011581, OMIM 605676.
Cardiomyopathy (CMYO). Also called: Cardiomyopathies. Identifiers: Orphanet 167848, MedGen C0878544, MONDO:0004994, HP:0001638. Inheritance: Various modes of inheritance.

Allele frequency attached by ClinVar (database versions not stated): gnomAD exomes below 0.00001; TOPMed below 0.00001.
gnomAD v4.1: 1 of 1,614,116 alleles (0.000062%); highest among the groups gnomAD compares: Non-Finnish European, 0.000085%; no homozygotes.

Submissions (3):

All of Us Research Program, National Institutes of Health
Classification: Uncertain significance for Arrhythmogenic cardiomyopathy with wooly hair and keratoderma. Last evaluated: 2023-05-04. Review status: criteria provided, single submitter. Criteria: ACMG Guidelines, 2015. Collection method: clinical testing. Allele origin: germline. Inheritance: Autosomal dominant inheritance. Observed: 2 variant alleles, 2 heterozygotes.
Comment: This missense variant replaces leucine with proline at codon 778 of the DSP protein. Computational prediction is inconclusive regarding the impact of this variant on protein structure and function (internally defined REVEL score threshold 0.5 < inconclusive < 0.7, PMID: 27666373). To our knowledge, functional studies have not been reported for this variant. This variant has not been reported in individuals affected with DSP-related disorders in the literature. This variant has not been identified in the general population by the Genome Aggregation Database (gnomAD). The available evidence is insufficient to determine the role of this variant in disease conclusively. Therefore, this variant is classified as a Variant of Uncertain Significance.

This study involves interpretation of variants in research participants for the purpose of population health screening. Participant phenotype was not available at the time of variant classification. Additional details can be found in publication PMID: 35346344, PMCID: PMC8962531

Color Diagnostics, LLC DBA Color Health
Classification: Uncertain significance for Cardiomyopathy. Last evaluated: 2023-03-31. Review status: criteria provided, single submitter. Criteria: ACMG Guidelines, 2015. Collection method: clinical testing. Allele origin: germline.
Comment: This missense variant replaces leucine with proline at codon 778 of the DSP protein. Computational prediction is inconclusive regarding the impact of this variant on protein structure and function (internally defined REVEL score threshold 0.5 < inconclusive < 0.7, PMID: 27666373). To our knowledge, functional studies have not been reported for this variant. This variant has not been reported in individuals affected with DSP-related disorders in the literature. This variant has not been identified in the general population by the Genome Aggregation Database (gnomAD). The available evidence is insufficient to determine the role of this variant in disease conclusively. Therefore, this variant is classified as a Variant of Uncertain Significance.

Labcorp Genetics (formerly Invitae), Labcorp
Classification: Uncertain significance for Arrhythmogenic cardiomyopathy with wooly hair and keratoderma; Arrhythmogenic right ventricular dysplasia 8. Last evaluated: 2021-08-13. Review status: criteria provided, single submitter. Criteria: Invitae Variant Classification Sherloc (09022015). Collection method: clinical testing. Allele origin: germline.
Comment: This sequence change replaces leucine with proline at codon 778 of the DSP protein (p.Leu778Pro). The leucine residue is highly conserved and there is a moderate physicochemical difference between leucine and proline. This variant is not present in population databases (ExAC no frequency). This variant has not been reported in the literature in individuals with DSP-related conditions. Algorithms developed to predict the effect of missense changes on protein structure and function are either unavailable or do not agree on the potential impact of this missense change (SIFT: "Deleterious"; PolyPhen-2: "Probably Damaging"; Align-GVGD: "Class C0"). In summary, the available evidence is currently insufficient to determine the role of this variant in disease. Therefore, it has been classified as a Variant of Uncertain Significance.